The following is an entry in ClinVar:

ClinVar aggregate classification (germline): Uncertain significance (1 of 4 stars; one submission).

Submission:

Labcorp Genetics (formerly Invitae), Labcorp
Classification: Uncertain significance. Last evaluated: 2022-08-22. Review status: criteria provided, single submitter. Criteria: Invitae Variant Classification Sherloc (09022015). Collection method: clinical testing. Allele origin: germline.
Comment: This variant is not present in population databases (gnomAD no frequency). In summary, the available evidence is currently insufficient to determine the role of this variant in disease. Therefore, it has been classified as a Variant of Uncertain Significance. Algorithms developed to predict the effect of missense changes on protein structure and function (SIFT, PolyPhen-2, Align-GVGD) all suggest that this variant is likely to be tolerated. ClinVar contains an entry for this variant (Variation ID: 1436491). This variant has not been reported in the literature in individuals affected with PNPT1-related conditions. This sequence change replaces valine, which is neutral and non-polar, with leucine, which is neutral and non-polar, at codon 159 of the PNPT1 protein (p.Val159Leu).

NM_033109.5(PNPT1):c.475G>C (p.Val159Leu)

Gene: PNPT1 (polyribonucleotide nucleotidyltransferase 1; minus strand). Cytogenetic location: 2p16.1.
Variant type: single nucleotide variant.
Coding change: c.475G>C on transcript NM_033109.5 (MANE Select); coding-DNA position 475, G replaced by C.
Protein change: p.Val159Leu; replaces valine 159 with leucine.
Molecular consequence: missense variant.
Genome position (GRCh38, 1-based): chr2:55,680,897, C>G on the plus strand (G>C on the coding strand, the complement: PNPT1 is on the minus strand). VCF-style: chr2-55680897-C-G. GRCh37 (hg19) VCF-style: chr2-55908032-C-G.
Other names: short protein forms V159L.
Identifiers: ClinVar variation 1436491 (VCV001436491.6), dbSNP rs2104157294, ClinGen allele CA346938931.